The following is an entry in ClinVar:

ClinVar aggregate classification (germline): Likely pathogenic (1 of 4 stars; one submission).

Conditions:
Dilated cardiomyopathy 1G (CMD1G). Identifiers: Orphanet 154, MedGen C1858763, MONDO:0011400, OMIM 604145.
Autosomal recessive limb-girdle muscular dystrophy type 2J (LGMDR10). Also called: Limb-girdle muscular dystrophy, type 2J; MUSCULAR DYSTROPHY, LIMB-GIRDLE, AUTOSOMAL RECESSIVE 10. Identifiers: Orphanet 140922, MedGen C1837342, MONDO:0012127, OMIM 608807.

Submission:

Labcorp Genetics (formerly Invitae), Labcorp
Classification: Likely pathogenic for Dilated cardiomyopathy 1G; Autosomal recessive limb-girdle muscular dystrophy type 2J. Last evaluated: 2018-12-25. Review status: criteria provided, single submitter. Criteria: Invitae Variant Classification Sherloc (09022015). Collection method: clinical testing. Allele origin: germline.
Comment: This variant is not present in population databases (ExAC no frequency). This sequence change results in a premature translational stop signal in the TTN gene (p.Glu33744Lysfs*6). While this is not anticipated to result in nonsense mediated decay, it is expected to create a truncated TTN protein. This variant has not been reported in the literature in individuals with TTN-related conditions. In summary, the currently available evidence indicates that the variant is pathogenic, but additional data are needed to prove that conclusively. Therefore, this variant has been classified as Likely Pathogenic. This variant is located in the M band of TTN (PMID: 25589632). Truncating variants in this region have been previously reported in individuals affected with autosomal recessive myopathy and muscular dystrophy (PMID: 18948003, 23975875, 24395473), but have not been definitively shown to cause cardiomyopathy (PMID: 25589632).

Literature cited by the submitters: PubMed 25589632; PubMed 18948003; PubMed 23975875; PubMed 24395473.

NM_001267550.2(TTN):c.101230del (p.Glu33744fs)

Genes: TTN (titin; minus strand), TTN-AS1 (TTN antisense RNA 1; plus strand). Cytogenetic location: 2q31.2.
Variant type: Deletion.
Coding change: c.101230del on transcript NM_001267550.2 (MANE Select); coding-DNA position 101230, one base deleted (G; older notation c.101230delG).
Protein change: p.Glu33744fs; shifts the reading frame from glutamic acid 33744.
Molecular consequence: frameshift variant.
Genome position (GRCh38, 1-based): chr2:178,535,385, C deleted on the plus strand (G on the coding strand, the reverse complement: TTN is on the minus strand). VCF-style (leftmost placement, unchanged base first): chr2-178535384-TC-T. GRCh37 (hg19) VCF-style: chr2-179400111-TC-T.
Other names: c.96307del, p.Glu32103fs (NM_001256850.1); c.74035del, p.Glu24679fs (NM_003319.4); c.93526del, p.Glu31176fs (NM_133378.4); c.74410del, p.Glu24804fs (NM_133432.3); c.74611del, p.Glu24871fs (NM_133437.4); short protein forms E24679fs, E24804fs, E33744fs, E24871fs, E32103fs, E31176fs.
Identifiers: ClinVar variation 657533 (VCV000657533.9), dbSNP rs1575293252, ClinGen allele CA915942140.